The following is an entry in ClinVar:

NM_173800.5(LVRN):c.2229T>C (p.Asp743=)

Gene: LVRN (laeverin; plus strand). Cytogenetic location: 5q23.1.
Variant type: single nucleotide variant.
Coding change: c.2229T>C on transcript NM_173800.5 (MANE Select); coding-DNA position 2229, T replaced by C.
Protein change: p.Asp743=; no amino-acid change (aspartic acid 743 retained).
Molecular consequence: synonymous variant.
Genome position (GRCh38, 1-based): chr5:116,010,876, T>C. VCF-style: chr5-116010876-T-C. GRCh37 (hg19) VCF-style: chr5-115346573-T-C.
Identifiers: ClinVar variation 2655651 (VCV002655651.24), dbSNP rs145258522, ClinGen allele CA3376863.
Genomic context (GRCh38, chr5:116,010,876, plus strand): 5'-GCATACAGTCTTGGTAAACTTGGTAACCAGGGATCTTGTTTCTGAGGTGAACATCTATGA[T>C]ATATACTCATTATTAAAGGTAATTTCATTCTTTCTTATGTAGTTTTTAAATAAATCCTCT-3'
Protein context (NP_776161.3, residues 733-753): RDLVSEVNIY[Asp743=]IYSLLKRYLL

ClinVar aggregate classification (germline): Likely benign (1 of 4 stars; one submission).

Allele frequency attached by ClinVar (database versions not stated): 1000 Genomes Project 0.00080; 1000 Genomes Project 30x 0.00094; TOPMed 0.00094; gnomAD 0.00103; ExAC 0.00114; gnomAD exomes 0.00138; ESP Exome Variant Server 0.00200.
gnomAD v4.1: 2,124 of 1,588,426 alleles (0.13%); highest among the groups gnomAD compares: Non-Finnish European, 0.16%; 3 homozygotes.

Submission:

CeGaT Center for Human Genetics Tuebingen
Classification: Likely benign. Last evaluated: 2022-11-01. Review status: criteria provided, single submitter. Criteria: CeGaT Center For Human Genetics Tuebingen Variant Classification Criteria Version 2. Collection method: clinical testing. Allele origin: germline. Affected: yes. Observed: 1 variant allele.
Comment: LVRN: BP4, BP7